The following is an entry in ClinVar:

ClinVar aggregate classification (germline): Conflicting classifications of pathogenicity. Review status: criteria provided, conflicting classifications (1 of 4 stars). 2 submissions from 2 submitters: Uncertain significance (1); Likely benign (1). Last evaluated 2026-04-06.

Conditions:
Cardiovascular phenotype. Identifiers: MedGen CN230736.

gnomAD v4.1: 15 of 1,533,370 alleles (0.00098%); highest among the groups gnomAD compares: South Asian, 0.0076%; no homozygotes.

Submissions (2):

Ambry Genetics
Classification: Likely benign for Cardiovascular phenotype. Last evaluated: 2026-04-06. Review status: criteria provided, single submitter. Criteria: Ambry Variant Classification Scheme 2023. Collection method: clinical testing. Allele origin: germline.

Mayo Clinic Laboratories, Mayo Clinic
Classification: Uncertain significance. Last evaluated: 2025-07-22. Review status: criteria provided, single submitter. Criteria: ACMG Guidelines, 2015. Collection method: clinical testing. Allele origin: germline. Observed: 1 variant allele.
Comment: BP4, PM2_supporting

NM_001365276.2(TNXB):c.9817G>A (p.Val3273Met)

Gene: TNXB (tenascin XB; minus strand). Cytogenetic location: 6p21.33.
Variant type: single nucleotide variant.
Coding change: c.9817G>A on transcript NM_001365276.2 (MANE Select); coding-DNA position 9817, G replaced by A.
Protein change: p.Val3273Met; replaces valine 3273 with methionine.
Molecular consequence: missense variant.
Genome position (GRCh38, 1-based): chr6:32,048,591, C>T on the plus strand (G>A on the coding strand, the complement: TNXB is on the minus strand). VCF-style: chr6-32048591-C-T. GRCh37 (hg19) VCF-style: chr6-32016368-C-T.
Other names: p.Val3271Met; c.9811G>A (NM_019105.6); c.10558G>A, p.Val3520Met (NM_001428335.1); c.9811G>A, p.Val3271Met (NM_019105.8); short protein forms V3273M, V3271M, V3520M.
Identifiers: ClinVar variation 4541133 (VCV004541133.2).
Genomic context (GRCh38, chr6:32,048,591, plus strand): 5'-GGAAGGAGTCAAAGGGGCCCTGGGCCACCGTCCATGAGAGGCCCACTGAGTCCGAGGTCA[C>T]GGCCGCCACCGCCAGCTCCCCCAGGCGGGGCTCCACCGGCAGTGGTGTGGGCAGGGGCGC-3'
Protein context (NP_001352205.1, residues 3263-3283): PRLGELAVAA[Val3273Met]TSDSVGLSWT